The following is an entry in ClinVar:

NM_015570.4(AUTS2):c.3609C>G (p.Asn1203Lys)

Gene: AUTS2 (activator of transcription and developmental regulator AUTS2; plus strand). Cytogenetic location: 7q11.22.
Variant type: single nucleotide variant.
Coding change: c.3609C>G on transcript NM_015570.4 (MANE Select); coding-DNA position 3609, C replaced by G.
Protein change: p.Asn1203Lys; replaces asparagine 1203 with lysine.
Molecular consequence: missense variant.
Genome position (GRCh38, 1-based): chr7:70,790,825, C>G. VCF-style: chr7-70790825-C-G. GRCh37 (hg19) VCF-style: chr7-70255811-C-G.
Other names: c.3537C>G, p.Asn1179Lys (NM_001127231.3); short protein forms N1179K, N1203K.
Identifiers: ClinVar variation 3339921 (VCV003339921.1).

ClinVar aggregate classification (germline): Uncertain significance (1 of 4 stars; one submission).

Submission:

Women's Health and Genetics/Laboratory Corporation of America, LabCorp
Classification: Uncertain significance. Last evaluated: 2024-06-20. Review status: criteria provided, single submitter. Criteria: LabCorp Variant Classification Summary - May 2015. Collection method: clinical testing. Allele origin: germline.
Comment: Variant summary: AUTS2 c.3609C>G (p.Asn1203Lys) results in a non-conservative amino acid change in the encoded protein sequence. Three of five in-silico tools predict a benign effect of the variant on protein function. The variant was absent in 243066 control chromosomes. The available data on variant occurrences in the general population are insufficient to allow any conclusion about variant significance. To our knowledge, no occurrence of c.3609C>G in individuals affected with Autism Spectrum Disorder Due To AUTS2 Deficiency and no experimental evidence demonstrating its impact on protein function have been reported. No submitters have cited clinical-significance assessments for this variant to ClinVar. Based on the evidence outlined above, the variant was classified as uncertain significance.